The following is an entry in ClinVar:

ClinVar aggregate classification (germline): Uncertain significance (1 of 4 stars; one submission).

Conditions:
Brugada syndrome 5 (BRGDA5). Identifiers: Orphanet 130, Orphanet 871, MedGen C2748541, MONDO:0013015, OMIM 612838.

Submission:

Labcorp Genetics (formerly Invitae), Labcorp
Classification: Uncertain significance for Brugada syndrome 5. Last evaluated: 2024-09-04. Review status: criteria provided, single submitter. Criteria: Invitae Variant Classification Sherloc (09022015). Collection method: clinical testing. Allele origin: germline.
Comment: The SCN1B gene has multiple clinically relevant transcripts. This variant occurs in alternate transcript NM_001037.5, and corresponds to NM_199037.3:c.*5137G>A (Non-coding) in the primary transcript. This sequence change affects codon 189 of the SCN1B mRNA. It is a 'silent' change, meaning that it does not change the encoded amino acid sequence of the SCN1B protein. This variant is not present in population databases (gnomAD no frequency). This variant has not been reported in the literature in individuals affected with SCN1B-related conditions. Experimental studies and prediction algorithms are not available or were not evaluated, and the effect of this variant on mRNA splicing is currently unknown. In summary, the available evidence is currently insufficient to determine the role of this variant in disease. Therefore, it has been classified as a Variant of Uncertain Significance.

NM_001037.5(SCN1B):c.567G>A (p.Thr189=)

Gene: SCN1B (sodium voltage-gated channel beta subunit 1; plus strand). Cytogenetic location: 19q13.11.
Variant type: single nucleotide variant.
Coding change: c.567G>A on transcript NM_001037.5 (MANE Select); coding-DNA position 567, G replaced by A.
Protein change: p.Thr189=; no amino-acid change (threonine 189 retained).
Molecular consequence: synonymous variant.
Genome position (GRCh38, 1-based): chr19:35,039,235, G>A. VCF-style: chr19-35039235-G-A. GRCh37 (hg19) VCF-style: chr19-35530139-G-A.
Other names: c.468G>A, p.Thr156= (NM_001321605.2).
Identifiers: ClinVar variation 3611579 (VCV003611579.2).